The following is an entry in ClinVar:

ClinVar aggregate classification (germline): Uncertain significance (1 of 4 stars; one submission).

gnomAD v4.1: 3 of 1,210,067 alleles (0.00025%); highest among the groups gnomAD compares: Admixed American, 0.0022%; no homozygotes.

Submission:

Labcorp Genetics (formerly Invitae), Labcorp
Classification: Uncertain significance. Last evaluated: 2025-09-18. Review status: criteria provided, single submitter. Criteria: Invitae Variant Classification Sherloc (09022015). Collection method: clinical testing. Allele origin: germline.
Comment: This sequence change replaces glutamic acid, which is acidic and polar, with lysine, which is basic and polar, at codon 247 of the BGN protein (p.Glu247Lys). This variant is present in population databases (rs782401746, gnomAD 0.004%). This variant has not been reported in the literature in individuals affected with BGN-related conditions. Invitae Evidence Modeling of protein sequence and biophysical properties (such as structural, functional, and spatial information, amino acid conservation, physicochemical variation, residue mobility, and thermodynamic stability) indicates that this missense variant is not expected to disrupt BGN protein function with a negative predictive value of 80%. In summary, the available evidence is currently insufficient to determine the role of this variant in disease. Therefore, it has been classified as a Variant of Uncertain Significance.

NM_001711.6(BGN):c.739G>A (p.Glu247Lys)

Gene: BGN (biglycan; plus strand). Cytogenetic location: Xq28.
Variant type: single nucleotide variant.
Coding change: c.739G>A on transcript NM_001711.6 (MANE Select); coding-DNA position 739, G replaced by A.
Protein change: p.Glu247Lys; replaces glutamic acid 247 with lysine.
Molecular consequence: missense variant.
Genome position (GRCh38, 1-based): chrX:153,506,892, G>A. VCF-style: chrX-153506892-G-A. GRCh37 (hg19) VCF-style: chrX-152772350-G-A.
Other names: short protein forms E247K.
Identifiers: ClinVar variation 4752270 (VCV004752270.1).